The following is an entry in ClinVar:

ClinVar aggregate classification (germline): Likely pathogenic (1 of 4 stars; one submission).

Conditions:
Smith-Lemli-Opitz syndrome (SLOS). Also called: LETHAL ACRODYSGENITAL SYNDROME; POLYDACTYLY, SEX REVERSAL, RENAL HYPOPLASIA, AND UNILOBAR LUNG; RSH SYNDROME; RUTLEDGE LETHAL MULTIPLE CONGENITAL ANOMALY SYNDROME; 7-Dehydrocholesterol reductase deficiency. Identifiers: Orphanet 818, MedGen C0175694, MONDO:0010035, OMIM 270400.

Submission:

Natera, Inc.
Classification: Likely pathogenic for Smith-Lemli-Opitz syndrome. Last evaluated: 2024-05-04. Review status: criteria provided, single submitter. Criteria: Natera Variant Classification Schema (03/2026). Collection method: clinical testing. Allele origin: germline.
Comment: The c.206_207insCA variant in DHCR7 is a frameshift variant predicted to shift the reading frame beginning at codon 70 and leads to a stop codon 24 codons downstream. This variant is expected to result in nonsense mediated decay, truncation, or a dysfunctional protein product. This variant is rare in the general population with a frequency below the threshold expected for the associated phenotype(s). Given the available evidence, this variant is classified as Likely Pathogenic.

NM_001360.3(DHCR7):c.206_207insCA (p.Gly70fs)

Gene: DHCR7 (7-dehydrocholesterol reductase; minus strand). Cytogenetic location: 11q13.4.
Variant type: Insertion.
Coding change: c.206_207insCA on transcript NM_001360.3 (MANE Select); coding-DNA positions 206 to 207, CA inserted.
Protein change: p.Gly70fs; shifts the reading frame from glycine 70.
Molecular consequence: frameshift variant.
Genome position: GRCh38 VCF-style: chr11-71444107-A-ATG. GRCh37 (hg19) VCF-style: chr11-71155153-A-ATG.
Other names: c.206_207insCA, p.Gly70fs (NM_001163817.2, NM_001425107.1, NM_001425108.1 and 8 more transcripts); c.110_111insCA, p.Gly38fs (NM_001425113.1, NM_001425114.1, NM_001425116.1); c.32_33insCA, p.Gly12fs (NM_001425117.1); short protein forms G12fs, G38fs, G70fs.
Identifiers: ClinVar variation 4814816 (VCV004814816.1).